The following is an entry in ClinVar:

NM_006766.5(KAT6A):c.3299C>G (p.Ser1100Cys)

Gene: KAT6A (lysine acetyltransferase 6A; minus strand). Cytogenetic location: 8p11.21.
Variant type: single nucleotide variant.
Coding change: c.3299C>G on transcript NM_006766.5 (MANE Select); coding-DNA position 3299, C replaced by G.
Protein change: p.Ser1100Cys; replaces serine 1100 with cysteine.
Molecular consequence: missense variant.
Genome position (GRCh38, 1-based): chr8:41,937,309, G>C on the plus strand (C>G on the coding strand, the complement: KAT6A is on the minus strand). VCF-style: chr8-41937309-G-C. GRCh37 (hg19) VCF-style: chr8-41794827-G-C.
Other names: short protein forms S1100C.
Identifiers: ClinVar variation 589549 (VCV000589549.28), dbSNP rs758083988, ClinGen allele CA4729722.

ClinVar aggregate classification (germline): Likely benign. Review status: criteria provided, multiple submitters, no conflicts (2 of 4 stars). 2 submissions from 2 submitters: Likely benign (2). Last evaluated 2023-09-26.

Conditions:
Inborn genetic diseases. Identifiers: MedGen C0950123, MeSH D030342.

Allele frequency attached by ClinVar (database versions not stated): ExAC 0.00001; gnomAD exomes 0.00001.
gnomAD v4.1: 8 of 1,613,732 alleles (0.0005%); highest among the groups gnomAD compares: Non-Finnish European, 0.00068%; no homozygotes.

Submissions (2):

Ambry Genetics
Classification: Likely benign for Inborn genetic diseases. Last evaluated: 2023-09-26. Review status: criteria provided, single submitter. Criteria: Ambry Variant Classification Scheme 2023. Collection method: clinical testing. Allele origin: germline.

CeGaT Center for Human Genetics Tuebingen
Classification: Likely benign. Last evaluated: 2023-02-01. Review status: criteria provided, single submitter. Criteria: CeGaT Center For Human Genetics Tuebingen Variant Classification Criteria Version 2. Collection method: clinical testing. Allele origin: germline. Affected: yes. Observed: 1 variant allele.
Comment: KAT6A: BP4